The following is an entry in ClinVar:

NM_018163.3(DNAJC17):c.563G>A (p.Gly188Asp)

Gene: DNAJC17 (DnaJ heat shock protein family (Hsp40) member C17; minus strand). Cytogenetic location: 15q15.1.
Variant type: single nucleotide variant.
Coding change: c.563G>A on transcript NM_018163.3 (MANE Select); coding-DNA position 563, G replaced by A.
Protein change: p.Gly188Asp; replaces glycine 188 with aspartic acid.
Molecular consequence: missense variant.
Genome position (GRCh38, 1-based): chr15:40,775,068, C>T on the plus strand (G>A on the coding strand, the complement: DNAJC17 is on the minus strand). VCF-style: chr15-40775068-C-T. GRCh37 (hg19) VCF-style: chr15-41067266-C-T.
Other names: short protein forms G188D.
Identifiers: ClinVar variation 1946327 (VCV001946327.5), dbSNP rs754234788, ClinGen allele CA7485091.
Genomic context (GRCh38, chr15:40,775,068, plus strand): 5'-GAGTGGACGTCAACAGGGCCGACCTTCTGCAAAAGCCGTAGGAGGACGTCTTTGGAGTAG[C>T]CACCTTTTGACTCATCCTCCTTCTTGCACTTCCATTTTAGCTGAAAAGAGAGCCTCATGA-3'
Protein context (NP_060633.1, residues 178-198): KCKKEDESKG[Gly188Asp]YSKDVLLRLL

ClinVar aggregate classification (germline): Uncertain significance (1 of 4 stars; one submission).

Allele frequency attached by ClinVar (database versions not stated): gnomAD exomes below 0.00001; ExAC 0.00001; gnomAD 0.00003; TOPMed 0.00004.

Submission:

Labcorp Genetics (formerly Invitae), Labcorp
Classification: Uncertain significance. Last evaluated: 2022-05-04. Review status: criteria provided, single submitter. Criteria: Invitae Variant Classification Sherloc (09022015). Collection method: clinical testing. Allele origin: germline.
Comment: Algorithms developed to predict the effect of missense changes on protein structure and function are either unavailable or do not agree on the potential impact of this missense change (SIFT: "Deleterious"; PolyPhen-2: "Benign"; Align-GVGD: "Class C0"). This sequence change replaces glycine, which is neutral and non-polar, with aspartic acid, which is acidic and polar, at codon 188 of the DNAJC17 protein (p.Gly188Asp). This variant is present in population databases (rs754234788, gnomAD 0.007%). This variant has not been reported in the literature in individuals affected with DNAJC17-related conditions. In summary, the available evidence is currently insufficient to determine the role of this variant in disease. Therefore, it has been classified as a Variant of Uncertain Significance. Algorithms developed to predict the effect of sequence changes on RNA splicing suggest that this variant may create or strengthen a splice site.